The following is an entry in ClinVar:

ClinVar aggregate classification (germline): Uncertain significance (1 of 4 stars; one submission).

Conditions:
Developmental and epileptic encephalopathy, 54. Also called: HNRNPU-Related Neurodevelopmental Disorder; Epileptic encephalopathy, early infantile, 54. Identifiers: MedGen C4479319, MONDO:0033363, OMIM 617391.

Submission:

Labcorp Genetics (formerly Invitae), Labcorp
Classification: Uncertain significance for Developmental and epileptic encephalopathy, 54. Last evaluated: 2021-06-06. Review status: criteria provided, single submitter. Criteria: Invitae Variant Classification Sherloc (09022015). Collection method: clinical testing. Allele origin: germline.
Comment: This sequence change replaces alanine with valine at codon 183 of the HNRNPU protein (p.Ala183Val). The alanine residue is weakly conserved and there is a small physicochemical difference between alanine and valine. In summary, the available evidence is currently insufficient to determine the role of this variant in disease. Therefore, it has been classified as a Variant of Uncertain Significance. Algorithms developed to predict the effect of missense changes on protein structure and function are either unavailable or do not agree on the potential impact of this missense change (SIFT: "Tolerated"; PolyPhen-2: "Possibly Damaging"; Align-GVGD: "Class C0"). This variant has been observed in individual(s) with clinical features of HNRNPU-related conditions (Invitae). This variant is not present in population databases (ExAC no frequency).

NM_031844.3(HNRNPU):c.548C>T (p.Ala183Val)

Gene: HNRNPU (heterogeneous nuclear ribonucleoprotein U; minus strand). Cytogenetic location: 1q44.
Variant type: single nucleotide variant.
Coding change: c.548C>T on transcript NM_031844.3 (MANE Select); coding-DNA position 548, C replaced by T.
Protein change: p.Ala183Val; replaces alanine 183 with valine.
Molecular consequence: missense variant.
Genome position (GRCh38, 1-based): chr1:244,863,760, G>A on the plus strand (C>T on the coding strand, the complement: HNRNPU is on the minus strand). VCF-style: chr1-244863760-G-A. GRCh37 (hg19) VCF-style: chr1-245027062-G-A.
Other names: c.548C>T, p.Ala183Val (NM_004501.3); short protein forms A183V.
Identifiers: ClinVar variation 1347292 (VCV001347292.8), dbSNP rs1680922606, ClinGen allele CA345496599.